The following is an entry in ClinVar:

ClinVar aggregate classification (germline): Uncertain significance (1 of 4 stars; one submission).

Submission:

Labcorp Genetics (formerly Invitae), Labcorp
Classification: Uncertain significance. Last evaluated: 2021-09-02. Review status: criteria provided, single submitter. Criteria: Invitae Variant Classification Sherloc (09022015). Collection method: clinical testing. Allele origin: germline.
Comment: This sequence change replaces proline with histidine at codon 272 of the TUBB3 protein (p.Pro272His). The proline residue is highly conserved and there is a moderate physicochemical difference between proline and histidine. This variant is not present in population databases (ExAC no frequency). This variant has not been reported in the literature in individuals affected with TUBB3-related conditions. Algorithms developed to predict the effect of missense changes on protein structure and function (SIFT, PolyPhen-2, Align-GVGD) all suggest that this variant is likely to be disruptive. In summary, the available evidence is currently insufficient to determine the role of this variant in disease. Therefore, it has been classified as a Variant of Uncertain Significance.

NM_006086.4(TUBB3):c.815C>A (p.Pro272His)

Gene: TUBB3 (tubulin beta 3 class III; plus strand). Cytogenetic location: 16q24.3.
Variant type: single nucleotide variant.
Coding change: c.815C>A on transcript NM_006086.4 (MANE Select); coding-DNA position 815, C replaced by A.
Protein change: p.Pro272His; replaces proline 272 with histidine.
Molecular consequence: missense variant.
Genome position (GRCh38, 1-based): chr16:89,935,266, C>A. VCF-style: chr16-89935266-C-A. GRCh37 (hg19) VCF-style: chr16-90001674-C-A.
Other names: c.599C>A, p.Pro200His (NM_001197181.2); short protein forms P272H, P200H.
Identifiers: ClinVar variation 1516988 (VCV001516988.6), dbSNP rs2151092925, ClinGen allele CA397475431.